The following is an entry in ClinVar:

NM_007294.4(BRCA1):c.5311C>T (p.Pro1771Ser)

Gene: BRCA1 (BRCA1 DNA repair associated; minus strand). Cytogenetic location: 17q21.31.
Variant type: single nucleotide variant.
Coding change: c.5311C>T on transcript NM_007294.4 (MANE Select); coding-DNA position 5311, C replaced by T.
Protein change: p.Pro1771Ser; replaces proline 1771 with serine.
Molecular consequence: missense variant. On other transcripts: non-coding transcript variant (1).
Genome position (GRCh38, 1-based): chr17:43,051,084, G>A on the plus strand (C>T on the coding strand, the complement: BRCA1 is on the minus strand). VCF-style: chr17-43051084-G-A. GRCh37 (hg19) VCF-style: chr17-41203101-G-A.
Other names: c.5164C>T, p.Pro1722Ser (NM_001407847.1, NM_001407848.1, NM_001407849.1 and 12 more transcripts); c.5101C>T, p.Pro1701Ser (NM_001407879.1, NM_001407881.1, NM_001407882.1 and 5 more transcripts); c.5098C>T, p.Pro1700Ser (NM_001407894.1, NM_001407908.1, NM_001407909.1 and 12 more transcripts); c.5095C>T, p.Pro1699Ser (NM_001407915.1, NM_001407916.1, NM_001407917.1 and 1 more transcripts); c.5047C>T, p.Pro1683Ser (NM_001407920.1, NM_001407921.1, NM_001407922.1 and 4 more transcripts); c.5044C>T, p.Pro1682Ser (NM_001407932.1, NM_001407933.1, NM_001407927.1 and 4 more transcripts); c.5041C>T, p.Pro1681Ser (NM_001407934.1, NM_001407935.1, NM_001407936.1); c.5188C>T, p.Pro1730Ser (NM_001407937.1, NM_001407938.1, NM_001407664.1 and 5 more transcripts); and 72 more; short protein forms P1792S, P1771S, P1724S, P667S, P1475S, P1681S, P1702S, P1703S.
Identifiers: ClinVar variation 860125 (VCV000860125.15), dbSNP rs576727185, ClinGen allele CA10590927.

ClinVar aggregate classification (germline): Conflicting classifications of pathogenicity. Review status: criteria provided, conflicting classifications (1 of 4 stars). 2 submissions from 2 submitters: Uncertain significance (1); Likely benign (1). Last evaluated 2022-10-21.

Conditions:
Hereditary breast ovarian cancer syndrome. Also called: Hereditary breast and/or ovarian cancer syndrome; BRCA1- and BRCA2-Associated Hereditary Breast and Ovarian Cancer; Hereditary breast and ovarian cancer syndrome; Hereditary breast and ovarian cancer; Hereditary breast and ovarian cancer syndrome (HBOC); Breast and ovarian cancer. Identifiers: Orphanet 145, MedGen C0677776, MeSH D061325, MONDO:0003582. Disease mechanism: loss of function.
Hereditary cancer-predisposing syndrome. Also called: Tumor predisposition; Hereditary Cancer Syndrome; Hereditary neoplastic syndrome; Neoplastic Syndromes, Hereditary. Identifiers: Orphanet 140162, MedGen C0027672, MeSH D009386, MONDO:0015356.

Submissions (3):

Ambry Genetics
Classification: Likely benign for Hereditary cancer-predisposing syndrome. Last evaluated: 2022-10-21. Review status: criteria provided, single submitter. Criteria: Ambry Variant Classification Scheme 2023. Collection method: clinical testing. Allele origin: germline.

Labcorp Genetics (formerly Invitae), Labcorp
Classification: Uncertain significance for Hereditary breast ovarian cancer syndrome. Last evaluated: 2019-03-06. Review status: criteria provided, single submitter. Criteria: Invitae Variant Classification Sherloc (09022015). Collection method: clinical testing. Allele origin: germline.
Comment: In summary, the available evidence is currently insufficient to determine the role of this variant in disease. Therefore, it has been classified as a Variant of Uncertain Significance. This variant has been reported not to substantially affect BRCA1 protein function (PMID: 30209399). This variant has been observed in an individual affected with breast cancer (PMID: 28664506). This variant is not present in population databases (ExAC no frequency). This sequence change replaces proline with serine at codon 1771 of the BRCA1 protein (p.Pro1771Ser). The proline residue is highly conserved and there is a moderate physicochemical difference between proline and serine.

Brotman Baty Institute, University of Washington
No classification provided (evidence only). Condition: Breast-ovarian cancer, familial 1. Review status: no classification provided. Collection method: in vitro. Allele origin: not applicable. Functional consequence: functionally_normal. Not counted in ClinVar's aggregate classification.
ClinVar note: "not provided" was previously submitted as the classification for the variant. However, the classification appeared to be based only on an observation of functional data so it was converted to no classification on 2025-07-30.

Literature cited by the submitters: PubMed 28664506 (cited by Ambry Genetics and Labcorp Genetics (formerly Invitae), Labcorp); PubMed 30209399 (cited by Ambry Genetics and Labcorp Genetics (formerly Invitae), Labcorp).